The following is an entry in ClinVar:

NM_001008212.2(OPTN):c.523del (p.Glu175fs)

Gene: OPTN (optineurin; plus strand). Cytogenetic location: 10p13.
Variant type: Deletion.
Coding change: c.523del on transcript NM_001008212.2 (MANE Select); coding-DNA position 523, one base deleted (G; older notation c.523delG).
Protein change: p.Glu175fs; shifts the reading frame from glutamic acid 175.
Molecular consequence: frameshift variant.
Genome position (GRCh38, 1-based): chr10:13,112,606, G deleted. VCF-style (leftmost placement, unchanged base first): chr10-13112605-AG-A. GRCh37 (hg19) VCF-style: chr10-13154605-AG-A.
Other names: c.523del, p.Glu175fs (NM_001008211.1, NM_001008213.1, NM_021980.4); short protein forms E175fs.
Identifiers: ClinVar variation 2931123 (VCV002931123.3), dbSNP rs771268520, ClinGen allele CA5410644.

ClinVar aggregate classification (germline): Pathogenic (1 of 4 stars; one submission).

Conditions:
Amyotrophic lateral sclerosis type 12 (ALS12). Also called: AMYOTROPHIC LATERAL SCLEROSIS 12 WITH OR WITHOUT FRONTOTEMPORAL DEMENTIA. Identifiers: Orphanet 803, MedGen C3150692, MONDO:0013264, OMIM 613435.
Primary open angle glaucoma (POAG). Also called: OPTN-related open angle glaucoma. Identifiers: MedGen C0339573, MONDO:0100553, OMIM 137760.
Glaucoma 1, open angle, E. Identifiers: MedGen C1842026, MONDO:0007665.

Allele frequency attached by ClinVar (database versions not stated): gnomAD exomes below 0.00001; TOPMed 0.00001; ExAC 0.00002.

Submission:

Labcorp Genetics (formerly Invitae), Labcorp
Classification: Pathogenic for Primary open angle glaucoma; Glaucoma 1, open angle, E; Amyotrophic lateral sclerosis type 12. Last evaluated: 2026-02-01. Review status: criteria provided, single submitter. Criteria: Invitae Variant Classification Sherloc (09022015). Collection method: clinical testing. Allele origin: germline.
Comment: This sequence change creates a premature translational stop signal (p.Glu175Lysfs*18) in the OPTN gene. It is expected to result in an absent or disrupted protein product. Loss-of-function variants in OPTN are known to be pathogenic (PMID: 20428114). This variant is present in population databases (rs771268520, gnomAD 0.002%). This variant has not been reported in the literature in individuals affected with OPTN-related conditions. ClinVar contains an entry for this variant (Variation ID: 2931123). For these reasons, this variant has been classified as Pathogenic.

Literature cited by the submitters: PubMed 20428114.